The following is an entry in ClinVar:

ClinVar aggregate classification (germline): Pathogenic. Review status: criteria provided, multiple submitters, no conflicts (2 of 4 stars). 2 submissions from 2 submitters: Pathogenic (2). Last evaluated 2025-11-14.

Conditions:
Hereditary cancer-predisposing syndrome. Also called: Neoplastic Syndromes, Hereditary; Tumor predisposition; Hereditary neoplastic syndrome; Hereditary Cancer Syndrome. Identifiers: Orphanet 140162, MedGen C0027672, MeSH D009386, MONDO:0015356.
Cardiovascular phenotype. Identifiers: MedGen CN230736.

Allele frequency attached by ClinVar (database versions not stated): gnomAD exomes below 0.00001.

Submissions (2):

Labcorp Genetics (formerly Invitae), Labcorp
Classification: Pathogenic. Last evaluated: 2025-11-14. Review status: criteria provided, single submitter. Criteria: Invitae Variant Classification Sherloc (09022015). Collection method: clinical testing. Allele origin: germline.
Comment: This sequence change creates a premature translational stop signal (p.Glu49*) in the LZTR1 gene. It is expected to result in an absent or disrupted protein product. Loss-of-function variants in LZTR1 are known to be pathogenic (PMID: 24362817, 25335493, 25480913, 25795793, 29469822, 30368668, 30442762, 30442766, 30481304, 30859559). This variant is not present in population databases (gnomAD no frequency). This variant has not been reported in the literature in individuals affected with LZTR1-related conditions. ClinVar contains an entry for this variant (Variation ID: 3238083). For these reasons, this variant has been classified as Pathogenic.

Ambry Genetics
Classification: Pathogenic for Cardiovascular phenotype; Hereditary cancer-predisposing syndrome. Last evaluated: 2023-07-21. Review status: criteria provided, single submitter. Criteria: Ambry Variant Classification Scheme 2023. Collection method: clinical testing. Allele origin: germline.
Comment: The p.E49* pathogenic mutation (also known as c.145G>T), located in coding exon 1 of the LZTR1 gene, results from a G to T substitution at nucleotide position 145. This changes the amino acid from a glutamic acid to a stop codon within coding exon 1. This alteration is expected to result in loss of function by premature protein truncation or nonsense-mediated mRNA decay. Loss-of-function variants in LZTR1 are related to an increased risk for schwannomas and autosomal recessive Noonan syndrome; however, such associations with autosomal dominant Noonan syndrome have not been observed (Piotrowski A et al. Nat Genet. 2014 Feb;46:182-7; Yamamoto GL et al. J Med Genet. 2015 Jun;52:413-21; Johnston JJ et al. Genet Med. 2018 10;20:1175-1185). Based on the supporting evidence, this variant is pathogenic for an increased risk of LZTR1-related schwannomatosis (SWN) and would be expected to cause autosomal recessive Noonan syndrome when present along with a second pathogenic or likely pathogenic variant on the other allele; however, the association of this alteration with autosomal dominant Noonan syndrome is unlikely.

Literature cited by the submitters: PubMed 24362817 (cited by Labcorp Genetics (formerly Invitae), Labcorp); PubMed 25335493 (cited by Labcorp Genetics (formerly Invitae), Labcorp); PubMed 25480913 (cited by Labcorp Genetics (formerly Invitae), Labcorp); PubMed 25795793 (cited by Labcorp Genetics (formerly Invitae), Labcorp); PubMed 29469822 (cited by Labcorp Genetics (formerly Invitae), Labcorp); PubMed 30368668 (cited by Labcorp Genetics (formerly Invitae), Labcorp); PubMed 30442762 (cited by Labcorp Genetics (formerly Invitae), Labcorp); PubMed 30442766 (cited by Labcorp Genetics (formerly Invitae), Labcorp); PubMed 30481304 (cited by Labcorp Genetics (formerly Invitae), Labcorp); PubMed 30859559 (cited by Labcorp Genetics (formerly Invitae), Labcorp).

NM_006767.4(LZTR1):c.145G>T (p.Glu49Ter)

Gene: LZTR1 (leucine zipper like post translational regulator 1; plus strand). Cytogenetic location: 22q11.21.
Variant type: single nucleotide variant.
Coding change: c.145G>T on transcript NM_006767.4 (MANE Select); coding-DNA position 145, G replaced by T.
Protein change: p.Glu49Ter; replaces glutamic acid 49 with a stop codon.
Molecular consequence: nonsense.
Genome position (GRCh38, 1-based): chr22:20,982,516, G>T. VCF-style: chr22-20982516-G-T. GRCh37 (hg19) VCF-style: chr22-21336805-G-T.
Other names: short protein forms E49*.
Identifiers: ClinVar variation 3238083 (VCV003238083.2), dbSNP rs1469836617.